The following is an entry in ClinVar:

ClinVar aggregate classification (germline): Likely benign (0 of 4 stars; one submission).

Conditions:
WDR4-related disorder. Also called: WDR4-related condition; WDR4-Related Disorders.

Allele frequency attached by ClinVar (database versions not stated): ExAC 0.00002; TOPMed 0.00002; gnomAD 0.00004; 1000 Genomes Project 30x 0.00016; 1000 Genomes Project 0.00020.
gnomAD v4.1: 36 of 1,613,776 alleles (0.0022%); highest among the groups gnomAD compares: Middle Eastern, 0.017%; 1 homozygote.

Submission:

PreventionGenetics, part of Exact Sciences
Classification: Likely benign for WDR4-related condition. Last evaluated: 2023-10-04. Review status: no assertion criteria provided. Collection method: clinical testing. Allele origin: germline.
Comment: This variant is classified as likely benign based on ACMG/AMP sequence variant interpretation guidelines (Richards et al. 2015 PMID: 25741868, with internal and published modifications).

NM_018669.6(WDR4):c.1095C>T (p.Phe365=)

Gene: WDR4 (WDR4 tRNA N7-guanosine methyltransferase non-catalytic subunit; minus strand). Cytogenetic location: 21q22.3.
Variant type: single nucleotide variant.
Coding change: c.1095C>T on transcript NM_018669.6 (MANE Select); coding-DNA position 1095, C replaced by T.
Protein change: p.Phe365=; no amino-acid change (phenylalanine 365 retained).
Molecular consequence: synonymous variant. On other transcripts: non-coding transcript variant (1).
Genome position (GRCh38, 1-based): chr21:42,850,193, G>A on the plus strand (C>T on the coding strand, the complement: WDR4 is on the minus strand). VCF-style: chr21-42850193-G-A. GRCh37 (hg19) VCF-style: chr21-44270303-G-A.
Other names: c.1092C>T, p.Phe364= (NM_001260474.2); c.657C>T, p.Phe219= (NM_001260475.2, NM_001260476.2, NM_001260477.2 and 1 more transcripts); c.1095C>T, p.Phe365= (NM_033661.5).
Identifiers: ClinVar variation 3047870 (VCV003047870.2), dbSNP rs530476358, ClinGen allele CA10045795.